The following is an entry in ClinVar:

NM_000512.5(GALNS):c.498C>G (p.His166Gln)

Gene: GALNS (galactosamine (N-acetyl)-6-sulfatase; minus strand). Cytogenetic location: 16q24.3.
Variant type: single nucleotide variant.
Coding change: c.498C>G on transcript NM_000512.5 (MANE Select); coding-DNA position 498, C replaced by G.
Protein change: p.His166Gln; replaces histidine 166 with glutamine.
Molecular consequence: missense variant. On other transcripts: 5 prime UTR variant (1).
Genome position (GRCh38, 1-based): chr16:88,837,690, G>C on the plus strand (C>G on the coding strand, the complement: GALNS is on the minus strand). VCF-style: chr16-88837690-G-C. GRCh37 (hg19) VCF-style: chr16-88904098-G-C.
Other names: c.498C>G (NM_000512.4); c.-58C>G (NM_001323543.2); c.516C>G, p.His172Gln (NM_001323544.2); short protein forms H172Q, H166Q.
Identifiers: ClinVar variation 973574 (VCV000973574.9), dbSNP rs1301198698, ClinGen allele CA397082973.

ClinVar aggregate classification (germline): Conflicting classifications of pathogenicity. Review status: criteria provided, conflicting classifications (1 of 4 stars). 4 submissions from 4 submitters: Pathogenic (2); Uncertain significance (2). Last evaluated 2023-09-08.

Conditions:
Morquio syndrome. Also called: Eccentrochondrodysplasia; Mucopolysaccharidosis, Type IV; MPS IV; Mucopolysaccharidosis type 4. Identifiers: Orphanet 582, MedGen C0026707, MONDO:0018938.
Mucopolysaccharidosis, MPS-IV-A (MPS4A). Also called: Morquio syndrome A, mild; MORQUIO SYNDROME A; Mucopolysaccharidosis type IV A; Mucopolysaccharidosis Type IVA; GALACTOSAMINE-6-SULFATASE DEFICIENCY; GALNS DEFICIENCY. Identifiers: Orphanet 309297, Orphanet 582, MedGen C0086651, MONDO:0009659, OMIM 253000.

Allele frequency attached by ClinVar (database versions not stated): TOPMed below 0.00001; gnomAD exomes 0.00001.

Submissions (4):

Women's Health and Genetics/Laboratory Corporation of America, LabCorp
Classification: Pathogenic for Morquio syndrome. Last evaluated: 2023-09-08. Review status: criteria provided, single submitter. Criteria: LabCorp Variant Classification Summary - May 2015. Collection method: clinical testing. Allele origin: germline.
Comment: Variant summary: GALNS c.498C>G (p.His166Gln) results in a non-conservative amino acid change in the encoded protein sequence. Five of five in-silico tools predict a damaging effect of the variant on protein function. The variant was absent in 251410 control chromosomes (gnomAD). c.498C>G has been reported in the literature in individuals affected with Mucopolysaccharidosis Type IVA (Morquio Syndrome A) (examples: Tomatsu_1997, Tomatsu_2004, Bhattacharya_2014, and Cheema_2021). These data indicate that the variant is likely to be associated with disease. At least one publication reports experimental evidence evaluating an impact on protein function, and demonstrated that the variant caused severely reduced enzyme activity in transiently transfected fibroblast cells as compared with fibroblasts transfected with normal cDNA (Tomatsu_1997). The following publications have been ascertained in the context of this evaluation (PMID: 25433535, 33083013, 9375852, 15235041). Three submitters have cited clinical-significance assessments for this variant to ClinVar after 2014 and classified the variant as pathogenic (n=1) and uncertain significance (n=2). Based on the evidence outlined above, the variant was classified as pathogenic.

Genome-Nilou Lab
Classification: Uncertain significance for Mucopolysaccharidosis, MPS-IV-A. Last evaluated: 2021-11-07. Review status: criteria provided, single submitter. Criteria: ACMG Guidelines, 2015. Collection method: clinical testing. Allele origin: germline. Affected: no.

Laboratory of Diagnosis and Therapy of Lysosomal Disorders, University of Padova
Classification: Uncertain significance for Mucopolysaccharidosis, MPS-IV-A. Last evaluated: 2021-02-01. Review status: criteria provided, single submitter. Criteria: ACMG Guidelines, 2015. Collection method: curation. Allele origin: germline. Affected: yes.
Comment: In vitro functional studies supportive of a damaging effect on the gene product (low in vitro enzymatic activity; PS3_supporting); absent from gnomAD v2.1.1 (PM2_moderate); multiple lines of computational evidence support a deleterious effect on the gene (PP3_supporting)

CENTOGENE GmbH and LLC - Guiding Precision Medicine
Classification: Pathogenic for Mucopolysaccharidosis type IVA. Review status: criteria provided, single submitter. Criteria: ACMG Guidelines, 2015. Collection method: clinical testing. Allele origin: germline. Affected: yes.

Literature cited by the submitters: PubMed 15235041 (cited by Women's Health and Genetics/Laboratory Corporation of America, LabCorp and Laboratory of Diagnosis and Therapy of Lysosomal Disorders, University of Padova); PubMed 9375852 (cited by Women's Health and Genetics/Laboratory Corporation of America, LabCorp); PubMed 33083013 (cited by Women's Health and Genetics/Laboratory Corporation of America, LabCorp); PubMed 25433535 (cited by Women's Health and Genetics/Laboratory Corporation of America, LabCorp); PubMed 16287098 (cited by Laboratory of Diagnosis and Therapy of Lysosomal Disorders, University of Padova); PubMed 24726177 (cited by Laboratory of Diagnosis and Therapy of Lysosomal Disorders, University of Padova); PubMed 34387910 (cited by Laboratory of Diagnosis and Therapy of Lysosomal Disorders, University of Padova).